The following is an entry in ClinVar:

NM_001199267.2(DGKZ):c.271-8G>T

Gene: DGKZ (diacylglycerol kinase zeta; plus strand). Cytogenetic location: 11p11.2.
Variant type: single nucleotide variant.
Coding change: c.271-8G>T on transcript NM_001199267.2 (MANE Select); 8 bases into the intron before coding-DNA position 271, G replaced by T.
Molecular consequence: intron variant.
Genome position (GRCh38, 1-based): chr11:46,367,644, G>T. VCF-style: chr11-46367644-G-T. GRCh37 (hg19) VCF-style: chr11-46389194-G-T.
Other names: c.322-8G>T (NM_201532.3); c.286-11G>T (NM_201533.3); c.271-8G>T (NM_001199266.2, NM_003646.4, NM_001199268.2); c.838-8G>T (NM_001105540.2).
Identifiers: ClinVar variation 2641745 (VCV002641745.25), dbSNP rs761260710, ClinGen allele CA5962287.

ClinVar aggregate classification (germline): Likely benign. Review status: criteria provided, multiple submitters, no conflicts (2 of 4 stars). 2 submissions from 2 submitters: Likely benign (2). Last evaluated 2025-09-15.

Allele frequency attached by ClinVar (database versions not stated): ExAC 0.00001; gnomAD 0.00001.
gnomAD v4.1: 25 of 1,592,788 alleles (0.0016%); highest among the groups gnomAD compares: Middle Eastern, 0.068%; 1 homozygote.

Submissions (2):

Labcorp Genetics (formerly Invitae), Labcorp
Classification: Likely benign. Last evaluated: 2025-09-15. Review status: criteria provided, single submitter. Criteria: Invitae Variant Classification Sherloc (09022015). Collection method: clinical testing. Allele origin: germline.

CeGaT Center for Human Genetics Tuebingen
Classification: Likely benign. Last evaluated: 2022-12-01. Review status: criteria provided, single submitter. Criteria: CeGaT Center For Human Genetics Tuebingen Variant Classification Criteria Version 2. Collection method: clinical testing. Allele origin: germline. Affected: yes. Observed: 1 variant allele.
Comment: DGKZ: BP4